The following is an entry in ClinVar:

NM_001370259.2(MEN1):c.1169C>G (p.Pro390Arg)

Gene: MEN1 (menin 1; minus strand). Cytogenetic location: 11q13.1.
Variant type: single nucleotide variant.
Coding change: c.1169C>G on transcript NM_001370259.2 (MANE Select); coding-DNA position 1169, C replaced by G.
Protein change: p.Pro390Arg; replaces proline 390 with arginine.
Molecular consequence: missense variant.
Genome position (GRCh38, 1-based): chr11:64,805,651, G>C on the plus strand (C>G on the coding strand, the complement: MEN1 is on the minus strand). VCF-style: chr11-64805651-G-C. GRCh37 (hg19) VCF-style: chr11-64573123-G-C.
Other names: c.1169C>G, p.Pro390Arg (NM_001370260.2, NM_001370261.2, NM_130799.3); c.1064C>G, p.Pro355Arg (NM_001370262.2, NM_001370263.2); c.1184C>G, p.Pro395Arg (NM_130800.3, NM_130801.3, NM_130802.3 and 3 more transcripts); c.1295C>G, p.Pro432Arg (NM_001370251.2); short protein forms P395R, P390R, P355R, P432R.
Identifiers: ClinVar variation 527239 (VCV000527239.11), dbSNP rs761102084, ClinGen allele CA060079.

ClinVar aggregate classification (germline): Uncertain significance. Review status: criteria provided, multiple submitters, no conflicts (2 of 4 stars). 2 submissions from 2 submitters: Uncertain significance (2). Last evaluated 2023-12-19.

Conditions:
Hereditary cancer-predisposing syndrome. Also called: Neoplastic Syndromes, Hereditary; Tumor predisposition; Hereditary neoplastic syndrome; Hereditary Cancer Syndrome. Identifiers: Orphanet 140162, MedGen C0027672, MeSH D009386, MONDO:0015356.
Multiple endocrine neoplasia, type 1 (MEN1). Also called: MEN I; WERMER SYNDROME; Endocrine adenomatosis multiple; MEN 1; MEA I. Identifiers: Orphanet 652, MedGen C0025267, MeSH D018761, MONDO:0007540, OMIM 131100.

gnomAD v4.1: 4 of 1,613,928 alleles (0.00025%); highest among the groups gnomAD compares: South Asian, 0.0011%; no homozygotes.

Submissions (2):

Ambry Genetics
Classification: Uncertain significance for Hereditary cancer-predisposing syndrome. Last evaluated: 2023-12-19. Review status: criteria provided, single submitter. Criteria: Ambry Variant Classification Scheme 2023. Collection method: clinical testing. Allele origin: germline.
Comment: The p.P390R variant (also known as c.1169C>G), located in coding exon 7 of the MEN1 gene, results from a C to G substitution at nucleotide position 1169. The proline at codon 390 is replaced by arginine, an amino acid with dissimilar properties. This amino acid position is not well conserved in available vertebrate species. In addition, the in silico prediction for this alteration is inconclusive. Since supporting evidence is limited at this time, the clinical significance of this alteration remains unclear.

Labcorp Genetics (formerly Invitae), Labcorp
Classification: Uncertain significance for Multiple endocrine neoplasia, type 1. Last evaluated: 2020-04-09. Review status: criteria provided, single submitter. Criteria: Invitae Variant Classification Sherloc (09022015). Collection method: clinical testing. Allele origin: germline.
Comment: In summary, the available evidence is currently insufficient to determine the role of this variant in disease. Therefore, it has been classified as a Variant of Uncertain Significance. Algorithms developed to predict the effect of missense changes on protein structure and function (SIFT, PolyPhen-2, Align-GVGD) all suggest that this variant is likely to be tolerated, but these predictions have not been confirmed by published functional studies and their clinical significance is uncertain. This variant has been observed in individual(s) with multiple endocrine neoplasia type 1 (PMID: 29497973). ClinVar contains an entry for this variant (Variation ID: 527239). This variant is present in population databases (rs761102084, ExAC 0.006%). This sequence change replaces proline with arginine at codon 390 of the MEN1 protein (p.Pro390Arg). The proline residue is weakly conserved and there is a moderate physicochemical difference between proline and arginine.

Literature cited by the submitters: PubMed 29497973 (cited by Labcorp Genetics (formerly Invitae), Labcorp).